The following is an entry in ClinVar:

ClinVar aggregate classification (germline): Uncertain significance. Review status: criteria provided, multiple submitters, no conflicts (2 of 4 stars). 2 submissions from 2 submitters: Uncertain significance (2). Last evaluated 2025-01-09.

Conditions:
Pancreatic adenocarcinoma. Identifiers: MedGen C0281361, MONDO:0006047, HP:0006725.

Allele frequency attached by ClinVar (database versions not stated): gnomAD 0.00001; TOPMed 0.00001.
gnomAD v4.1: 4 of 1,443,228 alleles (0.00028%); highest among the groups gnomAD compares: South Asian, 0.0014%; no homozygotes.

Submissions (2):

Ambry Genetics
Classification: Uncertain significance. Last evaluated: 2025-01-09. Review status: criteria provided, single submitter. Criteria: Ambry Variant Classification Scheme 2023. Collection method: clinical testing. Allele origin: germline.
Comment: The p.A70T variant (also known as c.208G>A), located in coding exon 1 of the PALLD gene, results from a G to A substitution at nucleotide position 208. The alanine at codon 70 is replaced by threonine, an amino acid with similar properties. This amino acid position is conserved. In addition, this alteration is predicted to be tolerated by in silico analysis. Based on the available evidence, the clinical significance of this variant remains unclear.

Labcorp Genetics (formerly Invitae), Labcorp
Classification: Uncertain significance for Pancreatic adenocarcinoma. Last evaluated: 2024-04-16. Review status: criteria provided, single submitter. Criteria: Invitae Variant Classification Sherloc (09022015). Collection method: clinical testing. Allele origin: germline.
Comment: This sequence change replaces alanine, which is neutral and non-polar, with threonine, which is neutral and polar, at codon 70 of the PALLD protein (p.Ala70Thr). This variant is present in population databases (no rsID available, gnomAD 0.007%). This variant has not been reported in the literature in individuals affected with PALLD-related conditions. An algorithm developed to predict the effect of missense changes on protein structure and function (PolyPhen-2) suggests that this variant is likely to be tolerated. In summary, the available evidence is currently insufficient to determine the role of this variant in disease. Therefore, it has been classified as a Variant of Uncertain Significance.

NM_001166108.2(PALLD):c.1965-12823G>A

Gene: PALLD (palladin, cytoskeletal associated protein; plus strand). Cytogenetic location: 4q32.3.
Variant type: single nucleotide variant.
Coding change: c.1965-12823G>A on transcript NM_001166108.2 (MANE Select); 12823 bases into the intron before coding-DNA position 1965, G replaced by A.
Molecular consequence: intron variant. On other transcripts: missense variant (1).
Genome position (GRCh38, 1-based): chr4:168,878,099, G>A. VCF-style: chr4-168878099-G-A. GRCh37 (hg19) VCF-style: chr4-169799250-G-A.
Other names: c.208G>A (NM_001166110.1); c.208G>A, p.Ala70Thr (NM_001166110.2); c.1965-12823G>A (NM_016081.4); c.819-12823G>A (NM_001166109.2); c.-157-12823G>A (NM_001367570.1, NM_001367568.1, NM_001367567.1 and 1 more transcripts); short protein forms A70T.
Identifiers: ClinVar variation 2721632 (VCV002721632.4), dbSNP rs907897412, ClinGen allele CA110515933.
Genomic context (GRCh38, chr4:168,878,099, plus strand): 5'-CTCCCGTCGCCCATGTCCCCGACGCCGAGGCAGTTCGGCCGCGCCCCCGTGCCGCCCTTC[G>A]CGCAGCCCTTCGGCGCTGAGCCCGAGGCCCCGTGGGGCTCCTCCTCGCCGTCGCCCCCGC-3'